The following is an entry in ClinVar:

NM_001376.5(DYNC1H1):c.8148A>G (p.Thr2716=)

Gene: DYNC1H1 (dynein cytoplasmic 1 heavy chain 1; plus strand). Cytogenetic location: 14q32.31.
Variant type: single nucleotide variant.
Coding change: c.8148A>G on transcript NM_001376.5 (MANE Select); coding-DNA position 8148, A replaced by G.
Protein change: p.Thr2716=; no amino-acid change (threonine 2716 retained).
Molecular consequence: synonymous variant.
Genome position (GRCh38, 1-based): chr14:102,017,475, A>G. VCF-style: chr14-102017475-A-G. GRCh37 (hg19) VCF-style: chr14-102483812-A-G.
Identifiers: ClinVar variation 1254772 (VCV001254772.12), dbSNP rs763226110, ClinGen allele CA7352938.

ClinVar aggregate classification (germline): Likely benign. Review status: criteria provided, multiple submitters, no conflicts (2 of 4 stars). 3 submissions from 3 submitters: Likely benign (3). Last evaluated 2025-12-21.

Conditions:
Inborn genetic diseases. Identifiers: MedGen C0950123, MeSH D030342.
Charcot-Marie-Tooth disease axonal type 2O. Also called: CHARCOT-MARIE-TOOTH NEUROPATHY, AXONAL, TYPE 2O; CHARCOT-MARIE-TOOTH DISEASE, AXONAL, AUTOSOMAL DOMINANT, TYPE 2O; Charcot-Marie-Tooth Neuropathy Type 2O; Charcot-Marie-Tooth disease, axonal, type 20. Identifiers: Orphanet 284232, MedGen C3280220, MONDO:0013644, OMIM 614228.

Allele frequency attached by ClinVar (database versions not stated): gnomAD 0.00001; TOPMed 0.00002; gnomAD exomes 0.00003 and 0.00006; ExAC 0.00005.
gnomAD v4.1: 17 of 1,614,126 alleles (0.0011%); highest among the groups gnomAD compares: Admixed American, 0.028%; no homozygotes.

Submissions (3):

Labcorp Genetics (formerly Invitae), Labcorp
Classification: Likely benign for Charcot-Marie-Tooth disease axonal type 2O. Last evaluated: 2025-12-21. Review status: criteria provided, single submitter. Criteria: Invitae Variant Classification Sherloc (09022015). Collection method: clinical testing. Allele origin: germline.

GeneDx
Classification: Likely benign. Last evaluated: 2021-02-03. Review status: criteria provided, single submitter. Criteria: GeneDx Variant Classification Process June 2021. Collection method: clinical testing. Allele origin: germline. Affected: yes.
Comment: Has not been previously published as pathogenic or benign to our knowledge

Ambry Genetics
Classification: Likely benign for Inborn genetic diseases. Last evaluated: 2018-05-01. Review status: criteria provided, single submitter. Criteria: Ambry Variant Classification Scheme 2023. Collection method: clinical testing. Allele origin: germline.